The following is an entry in ClinVar:

NM_014484.5(MOCS3):c.935A>G (p.Tyr312Cys)

Gene: MOCS3 (molybdenum cofactor synthesis 3; plus strand). Cytogenetic location: 20q13.13.
Variant type: single nucleotide variant.
Coding change: c.935A>G on transcript NM_014484.5 (MANE Select); coding-DNA position 935, A replaced by G.
Protein change: p.Tyr312Cys; replaces tyrosine 312 with cysteine.
Molecular consequence: missense variant.
Genome position (GRCh38, 1-based): chr20:50,959,777, A>G. VCF-style: chr20-50959777-A-G. GRCh37 (hg19) VCF-style: chr20-49576314-A-G.
Other names: short protein forms Y312C.
Identifiers: ClinVar variation 1518835 (VCV001518835.8), dbSNP rs139583881, ClinGen allele CA9909511.

ClinVar aggregate classification (germline): Uncertain significance (1 of 4 stars; one submission).

Allele frequency attached by ClinVar (database versions not stated): gnomAD exomes below 0.00001 and 0.00001; ExAC 0.00001; gnomAD 0.00002 and 0.00003; TOPMed 0.00004; ESP Exome Variant Server 0.00015.
gnomAD v4.1: 11 of 1,614,120 alleles (0.00068%); highest among the groups gnomAD compares: African/African-American, 0.008%; no homozygotes.

Submission:

Labcorp Genetics (formerly Invitae), Labcorp
Classification: Uncertain significance. Last evaluated: 2022-04-03. Review status: criteria provided, single submitter. Criteria: Invitae Variant Classification Sherloc (09022015). Collection method: clinical testing. Allele origin: germline.
Comment: This sequence change replaces tyrosine, which is neutral and polar, with cysteine, which is neutral and slightly polar, at codon 312 of the MOCS3 protein (p.Tyr312Cys). This variant is present in population databases (rs139583881, gnomAD 0.01%). This variant has not been reported in the literature in individuals affected with MOCS3-related conditions. Algorithms developed to predict the effect of missense changes on protein structure and function are either unavailable or do not agree on the potential impact of this missense change (SIFT: "Deleterious"; PolyPhen-2: "Possibly Damaging"; Align-GVGD: "Class C0"). In summary, the available evidence is currently insufficient to determine the role of this variant in disease. Therefore, it has been classified as a Variant of Uncertain Significance.